The following is an entry in ClinVar:

ClinVar aggregate classification (germline): Uncertain significance (1 of 4 stars; one submission).

Conditions:
Nephrolithiasis/nephrocalcinosis. Identifiers: MedGen CN580796.

Submission:

Ambry Genetics
Classification: Uncertain significance for Nephrolithiasis/nephrocalcinosis. Last evaluated: 2023-07-21. Review status: criteria provided, single submitter. Criteria: Ambry Variant Classification Scheme 2023. Collection method: clinical testing. Allele origin: germline.
Comment: The p.L861H variant (also known as c.2582T>A), located in coding exon 6 of the CASR gene, results from a T to A substitution at nucleotide position 2582. The leucine at codon 861 is replaced by histidine, an amino acid with similar properties. This amino acid position is conserved. In addition, this alteration is predicted to be deleterious by in silico analysis. Since supporting evidence is limited at this time, the clinical significance of this alteration remains unclear.

NM_000388.4(CASR):c.2582T>A (p.Leu861His)

Gene: CASR (calcium sensing receptor; plus strand). Cytogenetic location: 3q21.1.
Variant type: single nucleotide variant.
Coding change: c.2582T>A on transcript NM_000388.4 (MANE Select); coding-DNA position 2582, T replaced by A.
Protein change: p.Leu861His; replaces leucine 861 with histidine.
Molecular consequence: missense variant.
Genome position (GRCh38, 1-based): chr3:122,284,536, T>A. VCF-style: chr3-122284536-T-A. GRCh37 (hg19) VCF-style: chr3-122003383-T-A.
Other names: c.2612T>A, p.Leu871His (NM_001178065.2); short protein forms L861H, L871H.
Identifiers: ClinVar variation 3231546 (VCV003231546.1), dbSNP rs2473280832, ClinGen allele CA354160340.